The following is an entry in ClinVar:

ClinVar aggregate classification (germline): Uncertain significance (1 of 4 stars; one submission).

Conditions:
Pheochromocytoma. Also called: MAX-Related Hereditary Paraganglioma-Pheochromocytoma Syndrome. Identifiers: Orphanet 29072, MedGen C0031511, MONDO:0008233, OMIM 171300, HP:0002666.
Pheochromocytoma/paraganglioma syndrome 4. Also called: CAROTID BODY TUMORS AND MULTIPLE EXTRAADRENAL PHEOCHROMOCYTOMAS; PARAGANGLIOMA, FAMILIAL MALIGNANT; PARAGANGLIOMAS, HEREDITARY EXTRAADRENAL; PHEOCHROMOCYTOMA, FAMILIAL EXTRAADRENAL; Paragangliomas 4; SDHB-Related Hereditary Paraganglioma-Pheochromocytoma Syndrome (Paragangliomas 4). Identifiers: Orphanet 29072, MedGen C1861848, MONDO:0007273, OMIM 115310.
Gastrointestinal stromal tumor. Also called: Gastrointestinal stromal tumor, somatic; Gastrointestinal stroma tumor. Identifiers: Orphanet 44890, MedGen C0238198, MeSH D046152, MONDO:0011719, OMIM 606764, HP:0100723.

gnomAD v4.1: 1 of 1,612,926 alleles (0.000062%); highest among the groups gnomAD compares: Non-Finnish European, 0.000085%; no homozygotes.

Submission:

Labcorp Genetics (formerly Invitae), Labcorp
Classification: Uncertain significance for Gastrointestinal stromal tumor; Pheochromocytoma/paraganglioma syndrome 4; Pheochromocytoma. Last evaluated: 2026-01-05. Review status: criteria provided, single submitter. Criteria: Invitae Variant Classification Sherloc (09022015). Collection method: clinical testing. Allele origin: germline.
Comment: This sequence change replaces arginine, which is basic and polar, with glycine, which is neutral and non-polar, at codon 12 of the SDHB protein (p.Arg12Gly). This variant is not present in population databases (gnomAD no frequency). This variant has not been reported in the literature in individuals affected with SDHB-related conditions. ClinVar contains an entry for this variant (Variation ID: 3763054). Invitae Evidence Modeling of protein sequence and biophysical properties (such as structural, functional, and spatial information, amino acid conservation, physicochemical variation, residue mobility, and thermodynamic stability) indicates that this missense variant is not expected to disrupt SDHB protein function with a negative predictive value of 95%. In summary, the available evidence is currently insufficient to determine the role of this variant in disease. Therefore, it has been classified as a Variant of Uncertain Significance.

NM_003000.3(SDHB):c.34C>G (p.Arg12Gly)

Gene: SDHB (succinate dehydrogenase complex iron sulfur subunit B; minus strand). Cytogenetic location: 1p36.13.
Variant type: single nucleotide variant.
Coding change: c.34C>G on transcript NM_003000.3 (MANE Select); coding-DNA position 34, C replaced by G.
Protein change: p.Arg12Gly; replaces arginine 12 with glycine.
Molecular consequence: missense variant.
Genome position (GRCh38, 1-based): chr1:17,053,986, G>C on the plus strand (C>G on the coding strand, the complement: SDHB is on the minus strand). VCF-style: chr1-17053986-G-C. GRCh37 (hg19) VCF-style: chr1-17380481-G-C.
Other names: c.34C>G, p.Arg12Gly (NM_001407361.1); short protein forms R12G.
Identifiers: ClinVar variation 3763054 (VCV003763054.2).